The following is an entry in ClinVar:

ClinVar aggregate classification (germline): Benign. Review status: criteria provided, single submitter (1 of 4 stars). 2 submissions from 2 submitters: Benign (1). 1 of the submissions does not count toward it. Last evaluated 2018-07-16.

Conditions:
NT5E-related disorder. Also called: NT5E-related condition.

Allele frequency attached by ClinVar (database versions not stated): 1000 Genomes Project 30x 0.00016; 1000 Genomes Project 0.00020; ESP Exome Variant Server 0.00031; TOPMed 0.00034; gnomAD 0.00089 and 0.00094; ExAC 0.00092; gnomAD exomes 0.00101.
gnomAD v4.1: 885 of 1,614,148 alleles (0.055%); highest among the groups gnomAD compares: Non-Finnish European, 0.039%; 1 homozygote.

Submissions (2):

Labcorp Genetics (formerly Invitae), Labcorp
Classification: Benign. Last evaluated: 2018-07-16. Review status: criteria provided, single submitter. Criteria: Invitae Variant Classification Sherloc (09022015). Collection method: clinical testing. Allele origin: germline.

PreventionGenetics, part of Exact Sciences
Classification: Likely benign for NT5E-related condition. Last evaluated: 2020-07-15. Review status: no assertion criteria provided. Collection method: clinical testing. Allele origin: germline. Not counted in ClinVar's aggregate classification.
Comment: This variant is classified as likely benign based on ACMG/AMP sequence variant interpretation guidelines (Richards et al. 2015 PMID: 25741868, with internal and published modifications).

NM_002526.4(NT5E):c.457C>G (p.Gln153Glu)

Gene: NT5E (5'-nucleotidase ecto; plus strand). Cytogenetic location: 6q14.3.
Variant type: single nucleotide variant.
Coding change: c.457C>G on transcript NM_002526.4 (MANE Select); coding-DNA position 457, C replaced by G.
Protein change: p.Gln153Glu; replaces glutamine 153 with glutamic acid.
Molecular consequence: missense variant.
Genome position (GRCh38, 1-based): chr6:85,467,177, C>G. VCF-style: chr6-85467177-C-G. GRCh37 (hg19) VCF-style: chr6-86176895-C-G.
Other names: c.457C>G, p.Gln153Glu (NM_001204813.2); short protein forms Q153E.
Identifiers: ClinVar variation 760697 (VCV000760697.5), dbSNP rs200369370, ClinGen allele CA3911338.